The following is an entry in ClinVar:

NM_000143.4(FH):c.1195A>G (p.Ser399Gly)

Gene: FH (fumarate hydratase; minus strand). Cytogenetic location: 1q43.
Variant type: single nucleotide variant.
Coding change: c.1195A>G on transcript NM_000143.4 (MANE Select); coding-DNA position 1195, A replaced by G.
Protein change: p.Ser399Gly; replaces serine 399 with glycine.
Molecular consequence: missense variant.
Genome position (GRCh38, 1-based): chr1:241,502,484, T>C on the plus strand (A>G on the coding strand, the complement: FH is on the minus strand). VCF-style: chr1-241502484-T-C. GRCh37 (hg19) VCF-style: chr1-241665784-T-C.
Other names: short protein forms S399G.
Identifiers: ClinVar variation 567022 (VCV000567022.16), dbSNP rs1372936109, ClinGen allele CA345437370.
Genomic context (GRCh38, chr1:241,502,484, plus strand): 5'-AATCAGATTTAAAGCTTACCATCATTGGCTTGAAAACATTCAACTCAAAATGTCCATTGC[T>C]GCCTCCGACAGTGACAGCAACATGGTTCCCCATGACTTGGGCTGCAACCATGGTCATTGC-3'
Protein context (NP_000134.2, residues 389-409): GNHVAVTVGG[Ser399Gly]NGHFELNVFK

ClinVar aggregate classification (germline): Uncertain significance. Review status: criteria provided, multiple submitters, no conflicts (2 of 4 stars). 4 submissions from 4 submitters: Uncertain significance (4). Last evaluated 2025-11-11.

Conditions:
Hereditary cancer-predisposing syndrome. Also called: Neoplastic Syndromes, Hereditary; Tumor predisposition; Hereditary Cancer Syndrome; Hereditary neoplastic syndrome. Identifiers: Orphanet 140162, MedGen C0027672, MeSH D009386, MONDO:0015356.
Fumarase deficiency (FMRD). Also called: Fumarate Hydratase Deficiency; Fumaric aciduria. Identifiers: Orphanet 24, MedGen C0342770, MONDO:0011730, OMIM 606812.

Allele frequency attached by ClinVar (database versions not stated): gnomAD exomes below 0.00001; gnomAD 0.00001; TOPMed 0.00001.

Submissions (4):

Labcorp Genetics (formerly Invitae), Labcorp
Classification: Uncertain significance. Last evaluated: 2025-11-11. Review status: criteria provided, single submitter. Criteria: Invitae Variant Classification Sherloc (09022015). Collection method: clinical testing. Allele origin: germline.
Comment: This sequence change replaces serine, which is neutral and polar, with glycine, which is neutral and non-polar, at codon 399 of the FH protein (p.Ser399Gly). This variant is present in population databases (no rsID available, gnomAD 0.01%). This variant has not been reported in the literature in individuals affected with FH-related conditions. ClinVar contains an entry for this variant (Variation ID: 567022). Invitae Evidence Modeling of protein sequence and biophysical properties (such as structural, functional, and spatial information, amino acid conservation, physicochemical variation, residue mobility, and thermodynamic stability) indicates that this missense variant is expected to disrupt FH protein function with a positive predictive value of 95%. In summary, the available evidence is currently insufficient to determine the role of this variant in disease. Therefore, it has been classified as a Variant of Uncertain Significance.

Ambry Genetics
Classification: Uncertain significance for Hereditary cancer-predisposing syndrome. Last evaluated: 2025-08-14. Review status: criteria provided, single submitter. Criteria: Ambry Variant Classification Scheme 2023. Collection method: clinical testing. Allele origin: germline.
Comment: The p.S399G variant (also known as c.1195A>G), located in coding exon 8 of the FH gene, results from an A to G substitution at nucleotide position 1195. The serine at codon 399 is replaced by glycine, an amino acid with similar properties. This amino acid position is highly conserved in available vertebrate species. In addition, the in silico prediction for this alteration is inconclusive. Since supporting evidence is limited at this time, the clinical significance of this alteration remains unclear.

Baylor Genetics
Classification: Uncertain significance for Fumarase deficiency. Last evaluated: 2023-08-30. Review status: criteria provided, single submitter. Criteria: ACMG Guidelines, 2015. Collection method: clinical testing. Allele origin: unknown.

GeneDx
Classification: Uncertain significance. Last evaluated: 2022-07-07. Review status: criteria provided, single submitter. Criteria: GeneDx Variant Classification Process June 2021. Collection method: clinical testing. Allele origin: germline. Affected: yes.
Comment: Not observed at significant frequency in large population cohorts (gnomAD); In silico analysis supports that this missense variant has a deleterious effect on protein structure/function; Observed in an individual with breast cancer in the published literature (Xu et al., 2020); This variant is associated with the following publications: (PMID: 33163394)